The following is an entry in ClinVar:

NM_001127222.2(CACNA1A):c.3781G>A (p.Ala1261Thr)

Gene: CACNA1A (calcium voltage-gated channel subunit alpha1 A; minus strand). Cytogenetic location: 19p13.13.
Variant type: single nucleotide variant.
Coding change: c.3781G>A on transcript NM_001127222.2 (MANE Select); coding-DNA position 3781, G replaced by A.
Protein change: p.Ala1261Thr; replaces alanine 1261 with threonine.
Molecular consequence: missense variant.
Genome position (GRCh38, 1-based): chr19:13,283,308, C>T on the plus strand (G>A on the coding strand, the complement: CACNA1A is on the minus strand). VCF-style: chr19-13283308-C-T. GRCh37 (hg19) VCF-style: chr19-13394122-C-T.
Other names: c.3784G>A, p.Ala1262Thr (NM_001174080.2, NM_001127221.2); c.3793G>A, p.Ala1265Thr (NM_023035.3, NM_000068.4); short protein forms A1261T, A1262T, A1265T.
Identifiers: ClinVar variation 2683917 (VCV002683917.4), dbSNP rs2512840644, ClinGen allele CA404340610.
Genomic context (GRCh38, chr19:13,283,308, plus strand): 5'-TGTGCTCTGTGGGACTCACGTTGTTCCGAGGTGCGTTGGGCTGCACAGGGTCCTCGGCGG[C>T]CAGGGCGATGCTGCTCATGGCAATGACCATGAGGATGCACATCTCAAAGTAGCGCAGGTT-3'
Protein context (NP_001120694.1, residues 1251-1271): MVIAMSSIAL[Ala1261Thr]AEDPVQPNAP

ClinVar aggregate classification (germline): Uncertain significance. Review status: criteria provided, multiple submitters, no conflicts (2 of 4 stars). 3 submissions from 3 submitters: Uncertain significance (3). Last evaluated 2026-04-16.

Conditions:
Paroxysmal central nervous system disorders.
Episodic ataxia type 2 (EA2). Also called: ACETAZOLAMIDE-RESPONSIVE HEREDITARY PAROXYSMAL CEREBELLAR ATAXIA; ATAXIA, EPISODIC, WITH NYSTAGMUS; ATAXIA, FAMILIAL PAROXYSMAL; CEREBELLAR ATAXIA, PAROXYSMAL, ACETAZOLAMIDE-RESPONSIVE; CEREBELLOPATHY, HEREDITARY PAROXYSMAL; EPISODIC ATAXIA, NYSTAGMUS-ASSOCIATED. Identifiers: Orphanet 97, MedGen C1720416, MONDO:0007163, OMIM 108500.

Allele frequency attached by ClinVar (database versions not stated): gnomAD exomes below 0.00001.
gnomAD v4.1: 3 of 1,613,954 alleles (0.00019%); highest among the groups gnomAD compares: South Asian, 0.0022%; no homozygotes.

Submissions (3):

Dasa
Classification: Uncertain significance. Last evaluated: 2026-04-16. Review status: criteria provided, single submitter. Criteria: DASA Assertion Criteria. Collection method: clinical testing. Allele origin: germline.
Comment: NM_001127222.2(CACNA1A):c.3781G>A (p.Ala1261Thr) is a missense variant that results in the substitution of alanine with threonine. The affected residue or protein region has prior evidence supporting clinical relevance. This variant is rare in population databases. Computational prediction algorithms are consistent with a deleterious effect. The currently available literature and clinical evidence are not sufficient to establish a definitive association between this variant and the reported condition. Therefore, this variant is classified as a variant of uncertain significance.

Cambridge Genomics Laboratory, East Genomic Laboratory Hub, NHS Genomic Medicine Service
Classification: Uncertain significance for Paroxysmal central nervous system disorders. Last evaluated: 2023-11-16. Review status: criteria provided, single submitter. Criteria: ACGS Best Practice Guidelines for Variant Classification in Rare Disease 2020. Collection method: clinical testing. Allele origin: germline. Affected: yes.
Comment: The p.Ala1261Thr variant is novel (not in any individuals) in gnomAD All. The p.Ala1261Thr variant is novel (not in any individuals) in 1kG All. The p.Ala1261Thr variant is novel (not in any individuals) in gnomAD Genomes v3 All. (PM2 - Moderate) | The gene CACNA1A has a low rate of benign missense variation as indicated by a high missense variants Z-Score of 5.78. The gene CACNA1A contains 145 pathogenic missense variants, indicating that missense variants are a common mechanism of disease in this gene. (PP2 - Supporting) | There are no benign variants within 3 amino acid positions of the variant p.Ala1261Thr. (PM1_Supporting - Supporting) | The p.Ala1261Thr missense variant is predicted to be damaging by both SIFT and PolyPhen2. The nucleotide c.3781 in CACNA1A is predicted conserved by GERP++ and PhyloP across 100 vertebrates. (PP3 - Supporting)

MVZ Martinsried, Medicover Genetics
Classification: Uncertain significance for Episodic ataxia type 2. Last evaluated: 2023-11-16. Review status: criteria provided, single submitter. Criteria: ACGS Guidelines, 2020. Collection method: clinical testing. Allele origin: unknown. Affected: yes.